The following is an entry in ClinVar:

ClinVar aggregate classification (germline): Benign (1 of 4 stars; one submission).

Conditions:
POLD1-related polyposis and colorectal cancer syndrome (CRCS10). Also called: Colorectal cancer 10; COLORECTAL CANCER, SUSCEPTIBILITY TO, ON CHROMOSOME 19q; Colorectal cancer, susceptibility to, 10. Identifiers: Orphanet 220460, MedGen C2675481, MONDO:0012953, OMIM 612591.

Submission:

Myriad Genetics, Inc.
Classification: Benign for POLD1-related polyposis and colorectal cancer syndrome. Last evaluated: 2025-02-06. Review status: criteria provided, single submitter. Criteria: Myriad Autosomal Dominant, Autosomal Recessive and X-Linked Classification Criteria (2023). Collection method: clinical testing. Allele origin: unknown.
Comment: This variant is considered benign. This variant is a silent/synonymous amino acid change and it is not expected to impact splicing.

NM_002691.4(POLD1):c.1536_1539delinsTCTA (p.Cys512_Leu513=)

Gene: POLD1 (DNA polymerase delta 1, catalytic subunit; plus strand). Cytogenetic location: 19q13.33.
Variant type: Indel.
Coding change: c.1536_1539delinsTCTA on transcript NM_002691.4 (MANE Select); coding-DNA positions 1536 to 1539, CCTG replaced by TCTA.
Protein change: p.Cys512_Leu513=.
Molecular consequence: synonymous variant. On other transcripts: non-coding transcript variant (1).
Genome position (GRCh38, 1-based): chr19:50,407,024-50,407,027, CCTG replaced by TCTA. VCF-style: chr19-50407024-CCTG-TCTA. GRCh37 (hg19) VCF-style: chr19-50910281-CCTG-TCTA.
Other names: c.1536_1539delinsTCTA, p.Cys512_Leu513= (NM_001256849.1, NM_001308632.1).
Identifiers: ClinVar variation 3904201 (VCV003904201.1).
Genomic context (GRCh38, chr19:50,407,024, plus strand): 5'-CATCCGTGCCCATCCCCAGAATGGGAACGACCAGACCCGCCGCCGCCTGGCTGTGTACTG[CCTG>TCTA]AAGGATGCCTACCTGCCACTGCGGCTGCTGGAGCGGCTCATGGTGCTGGTGAACGCCGTG-3'